The following is an entry in ClinVar:

ClinVar aggregate classification (germline): Conflicting classifications of pathogenicity. Review status: criteria provided, conflicting classifications (1 of 4 stars). 15 submissions from 15 submitters: Uncertain significance (13); Benign (1). 1 of the submissions does not count toward it. Last evaluated 2026-01-18.

Conditions:
PMS2-related disorder. Also called: PMS2-related condition.
Hereditary nonpolyposis colorectal neoplasms. Identifiers: MedGen C0009405, MeSH D003123.
Hereditary cancer-predisposing syndrome. Also called: Hereditary Cancer Syndrome; Tumor predisposition; Neoplastic Syndromes, Hereditary; Hereditary neoplastic syndrome. Identifiers: Orphanet 140162, MedGen C0027672, MeSH D009386, MONDO:0015356.
Lynch syndrome. Identifiers: Orphanet 144, MedGen C4552100, MONDO:0005835. Disease mechanism: loss of function.
Lynch syndrome 4 (LYNCH4). Also called: Hereditary non-polyposis colorectal cancer, type 4; Colorectal cancer, hereditary nonpolyposis, type 4. Identifiers: Orphanet 144, MedGen C1838333, MONDO:0013699, OMIM 614337. Disease mechanism: loss of function.

Allele frequency attached by ClinVar (database versions not stated): gnomAD exomes 0.00001 and 0.00003; ExAC 0.00005; gnomAD 0.00008 and 0.00010; ESP Exome Variant Server 0.00015.
gnomAD v4.1: 30 of 1,553,640 alleles (0.0019%); highest among the groups gnomAD compares: African/African-American, 0.035%; no homozygotes.

Submissions (15):

Labcorp Genetics (formerly Invitae), Labcorp
Classification: Benign for Hereditary nonpolyposis colorectal neoplasms. Last evaluated: 2026-01-18. Review status: criteria provided, single submitter. Criteria: Invitae Variant Classification Sherloc (09022015). Collection method: clinical testing. Allele origin: germline.

PreventionGenetics, part of Exact Sciences
Classification: Uncertain significance for PMS2-related condition. Last evaluated: 2025-05-28. Review status: criteria provided, single submitter. Criteria: ACMG Guidelines, 2015. Collection method: clinical testing. Allele origin: germline.
Comment: The PMS2 c.714C>A variant is predicted to result in the amino acid substitution p.Ser238Arg. This variant has been reported as a variant of uncertain significance in an individual with breast cancer (Supplementary Table 3, Guindalini et al. 2022. PubMed ID: 35264596; de Oliveira et al. 2022. PubMed ID: 35534704). This variant is located in the N‐terminal ATPase domain and functional studies indicate that this variant does not reduce protein complex stability and actually increases PMS2 expression in some cases (D'Arcy et al. 2022. PubMed ID: 35189042). This variant is reported in 0.031% of alleles in individuals of African descent in gnomAD. This variant is classified in ClinVar as a variant of uncertain significance and as benign. At this time, the clinical significance of this variant is uncertain due to the absence of conclusive functional and genetic evidence.

Quest Diagnostics Nichols Institute San Juan Capistrano
Classification: Uncertain significance. Last evaluated: 2025-02-14. Review status: criteria provided, single submitter. Criteria: Quest Diagnostics criteria. Collection method: clinical testing. Allele origin: unknown.
Comment: The PMS2 c.714C>A (p.Ser238Arg) variant has been reported in the published literature in individuals with breast cancer (PMID: 35534704 (2022), 35264596 (2022)). This variant has also been identified in a cohort of individuals with prostate cancer and reportedly healthy individuals (PMID: 32832836 (2020)). The frequency of this variant in the general population (Genome Aggregation Database) is uninformative in the assessment of its pathogenicity. Analysis of this variant using bioinformatics tools for the prediction of the effect of amino acid changes on protein structure and function yielded predictions that this variant is damaging. Based on the available information, we are unable to determine the clinical significance of this variant.

Ambry Genetics
Classification: Uncertain significance for Hereditary cancer-predisposing syndrome. Last evaluated: 2024-09-24. Review status: criteria provided, single submitter. Criteria: Ambry Variant Classification Scheme 2023. Collection method: clinical testing. Allele origin: germline.
Comment: The p.S238R variant (also known as c.714C>A), located in coding exon 7 of the PMS2 gene, results from a C to A substitution at nucleotide position 714. The serine at codon 238 is replaced by arginine, an amino acid with dissimilar properties. This amino acid position is highly conserved in available vertebrate species. In addition, the in silico prediction for this alteration is inconclusive. Since supporting evidence is limited at this time, the clinical significance of this alteration remains unclear.

All of Us Research Program, National Institutes of Health
Classification: Uncertain significance for Lynch syndrome. Last evaluated: 2024-09-23. Review status: criteria provided, single submitter. Criteria: ACMG Guidelines, 2015. Collection method: clinical testing. Allele origin: germline. Inheritance: Autosomal dominant inheritance. Observed: 13 variant alleles, 13 heterozygotes.
Comment: This missense variant replaces serine with arginine at codon 238 of the PMS2 protein. Computational prediction is inconclusive regarding the impact of this variant on protein structure and function (internally defined REVEL score threshold 0.5 < inconclusive < 0.7, PMID: 27666373). Functional studies have shown that this variant caused increased protein expression and had no significant impact on mismatch repair or ATPase activity compared to wild type protein (PMID: 35189042). This variant has been reported in an individual affected with breast cancer (DOI: 10.1101/2021.04.15.21255554v2). This variant has been identified in 9/258576 chromosomes in the general population by the Genome Aggregation Database (gnomAD). The available evidence is insufficient to determine the role of this variant in disease conclusively. Therefore, this variant is classified as a Variant of Uncertain Significance.

This study involves interpretation of variants in research participants for the purpose of population health screening. Participant phenotype was not available at the time of variant classification. Additional details can be found in publication PMID: 35346344, PMCID: PMC8962531

GeneDx
Classification: Uncertain significance. Last evaluated: 2024-09-17. Review status: criteria provided, single submitter. Criteria: GeneDx Variant Classification Process June 2021. Collection method: clinical testing. Allele origin: germline. Affected: yes.
Comment: Published functional studies suggest no damaging effect: no significant impact on mismatch repair (MMR) activity (PMID: 35189042); In silico analysis supports that this missense variant has a deleterious effect on protein structure/function; This variant is associated with the following publications: (PMID: 11574484, 35189042, 35264596, 35534704)

Color Diagnostics, LLC DBA Color Health
Classification: Uncertain significance for Hereditary cancer-predisposing syndrome. Last evaluated: 2024-02-07. Review status: criteria provided, single submitter. Criteria: ACMG Guidelines, 2015. Collection method: clinical testing. Allele origin: germline.
Comment: This missense variant replaces serine with arginine at codon 238 of the PMS2 protein. Computational prediction is inconclusive regarding the impact of this variant on protein structure and function (internally defined REVEL score threshold 0.5 < inconclusive < 0.7, PMID: 27666373). Functional studies have shown that this variant caused increased protein expression and had no significant impact on mismatch repair or ATPase activity compared to wild type protein (PMID: 35189042). This variant has been reported in an individual affected with breast cancer (DOI: 10.1101/2021.04.15.21255554v2). This variant has been identified in 9/258576 chromosomes in the general population by the Genome Aggregation Database (gnomAD). The available evidence is insufficient to determine the role of this variant in disease conclusively. Therefore, this variant is classified as a Variant of Uncertain Significance.

Baylor Genetics
Classification: Uncertain significance for Lynch syndrome 4. Last evaluated: 2023-10-30. Review status: criteria provided, single submitter. Criteria: ACMG Guidelines, 2015. Collection method: clinical testing. Allele origin: unknown.

Myriad Genetics, Inc.
Classification: Uncertain significance for Lynch syndrome 4. Last evaluated: 2023-04-05. Review status: criteria provided, single submitter. Criteria: Myriad Autosomal Dominant, Autosomal Recessive and X-Linked Classification Criteria (2023). Collection method: clinical testing. Allele origin: unknown.
Comment: This variant is classified as a variant of uncertain significance as there is insufficient evidence to determine its impact on protein function and/or cancer risk.

St. Jude Molecular Pathology, St. Jude Children's Research Hospital
Classification: Uncertain significance for Lynch syndrome 4. Last evaluated: 2021-09-01. Review status: criteria provided, single submitter. Criteria: St. Jude Assertion Criteria 2020. Collection method: clinical testing. Allele origin: germline.
Comment: The PMS2 c.714C>A (p.Ser238Arg) missense change has a maximum subpopulation frequency of 0.031% in gnomAD v2.1.1. Six of seven in silico tools predict a deleterious effect of this variant on protein function (PP3), but to our knowledge these predictions have not been confirmed by functional assays. To our knowledge, this variant has not been reported in individuals with Lynch syndrome or constitutional mismatch repair deficiency. In summary, this variant meets criteria to be classified as of uncertain significance based on the ACMG/AMP criteria: PP3.

Department of Pathology and Laboratory Medicine, Sinai Health System
Classification: Uncertain significance for Lynch syndrome 4. Last evaluated: 2021-02-09. Review status: criteria provided, single submitter. Criteria: ACMG Guidelines, 2015. Collection method: clinical testing. Allele origin: germline. Affected: yes.

CENTOGENE GmbH and LLC - Guiding Precision Medicine
Classification: Uncertain significance for Lynch syndrome 4. Last evaluated: 2018-09-10. Review status: criteria provided, single submitter. Criteria: ACMG Guidelines, 2015. Collection method: clinical testing. Allele origin: germline.

Mendelics
Classification: Uncertain significance for Lynch syndrome. Last evaluated: 2018-07-02. Review status: criteria provided, single submitter. Criteria: Mendelics Assertion Criteria 2017. Collection method: clinical testing. Allele origin: unknown.

Eurofins Ntd Llc (ga)
Classification: Uncertain significance. Last evaluated: 2013-08-23. Review status: criteria provided, single submitter. Criteria: EGL Classification Definitions 2015. Collection method: clinical testing. Allele origin: germline. Observed: 1 variant allele, 1 heterozygote.

Counsyl
Classification: Uncertain significance for Lynch syndrome 4. Last evaluated: 2017-01-11. Review status: no assertion criteria provided. Collection method: clinical testing. Allele origin: unknown. Not counted in ClinVar's aggregate classification.

Literature cited by the submitters: PubMed 39656055 (cited by Quest Diagnostics Nichols Institute San Juan Capistrano); PubMed 35264596 (cited by Quest Diagnostics Nichols Institute San Juan Capistrano); PubMed 35534704 (cited by Quest Diagnostics Nichols Institute San Juan Capistrano); PubMed 35189042 (cited by 3 submitters); PubMed 32832836 (cited by Quest Diagnostics Nichols Institute San Juan Capistrano).

NM_000535.7(PMS2):c.714C>A (p.Ser238Arg)

Gene: PMS2 (PMS1 homolog 2, mismatch repair system component; minus strand). Cytogenetic location: 7p22.1.
Variant type: single nucleotide variant.
Coding change: c.714C>A on transcript NM_000535.7 (MANE Select); coding-DNA position 714, C replaced by A.
Protein change: p.Ser238Arg; replaces serine 238 with arginine.
Molecular consequence: missense variant. On other transcripts: 5 prime UTR variant (2), non-coding transcript variant (1).
Genome position (GRCh38, 1-based): chr7:5,997,415, G>T on the plus strand (C>A on the coding strand, the complement: PMS2 is on the minus strand). VCF-style: chr7-5997415-G-T. GRCh37 (hg19) VCF-style: chr7-6037046-G-T.
Other names: c.309C>A, p.Ser103Arg (NM_001322003.2, NM_001322004.2, NM_001322005.2 and 2 more transcripts); c.714C>A, p.Ser238Arg (NM_001322006.2, NM_001322014.2); c.396C>A, p.Ser132Arg (NM_001322007.2, NM_001322008.2); c.-220C>A (NM_001322011.2, NM_001322012.2); c.141C>A, p.Ser47Arg (NM_001322013.2); c.405C>A, p.Ser135Arg (NM_001322015.2); short protein forms S238R, S103R, S132R, S47R, S135R.
Identifiers: ClinVar variation 93236 (VCV000093236.42), dbSNP rs151251082, ClinGen allele CA012654.
Genomic context (GRCh38, chr7:5,997,415, plus strand): 5'-GCTCAAACCGTACTCTTCACACACGGAGTCACTAGGGGGCAGCTGAACAAAAGGAATGAG[G>T]CTTTGCAACTGAAAAAAAAAAAAAAAAATTCACAGTTACTTCCTAATAAAGACAGAGTGG-3'
Protein context (NP_000526.2, residues 228-248): GSVFGQKQLQ[Ser238Arg]LIPFVQLPPS